The following is an entry in ClinVar:

NM_001114753.3(ENG):c.68-2A>G

Gene: ENG (endoglin; minus strand). Cytogenetic location: 9q34.11.
Variant type: single nucleotide variant.
Coding change: c.68-2A>G on transcript NM_001114753.3 (MANE Select); the canonical splice acceptor site of the intron before coding-DNA position 68, A replaced by G.
Molecular consequence: splice acceptor variant.
Genome position (GRCh38, 1-based): chr9:127,843,247, T>C on the plus strand (A>G on the coding strand, the complement: ENG is on the minus strand). VCF-style: chr9-127843247-T-C. GRCh37 (hg19) VCF-style: chr9-130605526-T-C.
Other names: c.68-2A>G (NM_000118.4, NM_001406715.1); c.-479-2A>G (NM_001278138.2).
Identifiers: ClinVar variation 4723703 (VCV004723703.1).

ClinVar aggregate classification (germline): Pathogenic (1 of 4 stars; one submission).

Conditions:
Hereditary hemorrhagic telangiectasia (HHT). Also called: ORW DISEASE; Osler Weber Rendu syndrome; OSLER-RENDU-WEBER DISEASE; Osler hemorrhagic telangiectasia syndrome. Identifiers: Orphanet 774, MedGen C0039445, MONDO:0019180. Disease mechanism: loss of function.

Submission:

Labcorp Genetics (formerly Invitae), Labcorp
Classification: Pathogenic for Hereditary hemorrhagic telangiectasia. Last evaluated: 2025-11-24. Review status: criteria provided, single submitter. Criteria: Invitae Variant Classification Sherloc (09022015). Collection method: clinical testing. Allele origin: germline.
Comment: This sequence change affects an acceptor splice site in intron 1 of the ENG gene. It is expected to disrupt RNA splicing. Variants that disrupt the donor or acceptor splice site typically lead to a loss of protein function (PMID: 16199547), and loss-of-function variants in ENG are known to be pathogenic (PMID: 15879500). This variant is not present in population databases (gnomAD no frequency). Disruption of this splice site has been observed in individuals with hereditary hemorrhagic telangiectasia (PMID: 15024723; internal data). Algorithms developed to predict the effect of sequence changes on RNA splicing suggest that this variant may disrupt the consensus splice site. For these reasons, this variant has been classified as Pathogenic.

Literature cited by the submitters: PubMed 16199547; PubMed 15879500; PubMed 15024723.